The following is an entry in ClinVar:

ClinVar aggregate classification (germline): Uncertain significance (1 of 4 stars; one submission).

Submission:

Dasa
Classification: Uncertain significance. Last evaluated: 2026-05-07. Review status: criteria provided, single submitter. Criteria: DASA Assertion Criteria. Collection method: clinical testing. Allele origin: germline.
Comment: NM_000363.5(TNNI3):c.419A>C (p.Lys140Thr) is a missense variant that results in the substitution of lysine with threonine. This variant is absent from population databases. Computational prediction algorithms are consistent with a deleterious effect. The currently available literature and clinical evidence are not sufficient to establish a definitive association between this variant and the reported condition. Therefore, this variant is classified as a variant of uncertain significance.

NM_000363.5(TNNI3):c.419A>C (p.Lys140Thr)

Gene: TNNI3 (troponin I3, cardiac type; minus strand). Cytogenetic location: 19q13.42.
Variant type: single nucleotide variant.
Coding change: c.419A>C on transcript NM_000363.5 (MANE Select); coding-DNA position 419, A replaced by C.
Protein change: p.Lys140Thr; replaces lysine 140 with threonine.
Molecular consequence: missense variant.
Genome position (GRCh38, 1-based): chr19:55,154,160, T>G on the plus strand (A>C on the coding strand, the complement: TNNI3 is on the minus strand). VCF-style: chr19-55154160-T-G. GRCh37 (hg19) VCF-style: chr19-55665528-T-G.
Other names: short protein forms K140T.
Identifiers: ClinVar variation 5020606 (VCV005020606.1).